The following is an entry in ClinVar:

NM_001256317.3(TMPRSS3):c.-51-7G>A

Gene: TMPRSS3 (transmembrane serine protease 3; minus strand). Cytogenetic location: 21q22.3.
Variant type: single nucleotide variant.
Coding change: c.-51-7G>A on transcript NM_001256317.3 (MANE Select); 7 bases into the intron before 51 bases upstream of the start codon, G replaced by A.
Molecular consequence: intron variant.
Genome position (GRCh38, 1-based): chr21:42,395,475, C>T on the plus strand (G>A on the coding strand, the complement: TMPRSS3 is on the minus strand). VCF-style: chr21-42395475-C-T. GRCh37 (hg19) VCF-style: chr21-43815584-C-T.
Other names: c.-51-7G>A (NM_024022.4, NM_032405.2).
Identifiers: ClinVar variation 4883757 (VCV004883757.2).

ClinVar aggregate classification (germline): Uncertain significance (1 of 4 stars; one submission).

Conditions:
Autosomal recessive nonsyndromic hearing loss 8 (DFNB8). Also called: NEUROSENSORY NONSYNDROMIC RECESSIVE DEAFNESS 8; Deafness, autosomal recessive 10. Identifiers: Orphanet 90636, MedGen C1832827, MONDO:0010987, OMIM 601072.

gnomAD v4.1: 24 of 1,405,112 alleles (0.0017%); highest among the groups gnomAD compares: South Asian, 0.022%; 1 homozygote.

Submission:

Dasa
Classification: Uncertain significance for Autosomal recessive nonsyndromic hearing loss 8. Last evaluated: 2025-11-08. Review status: criteria provided, single submitter. Criteria: DASA Assertion Criteria. Collection method: clinical testing. Allele origin: germline.
Comment: NM_001256317.3(TMPRSS3):c.-51-7G>A is an intronic variant. This variant is rare in population databases. Computational prediction algorithms are consistent with a deleterious effect. The currently available literature and clinical evidence are not sufficient to establish a definitive association between this variant and the reported condition. Therefore, this variant is classified as a variant of uncertain significance.